The following is an entry in ClinVar:

ClinVar aggregate classification (germline): Uncertain significance (1 of 4 stars; one submission).

Conditions:
Hereditary cancer-predisposing syndrome. Also called: Neoplastic Syndromes, Hereditary; Tumor predisposition; Hereditary neoplastic syndrome; Hereditary Cancer Syndrome. Identifiers: Orphanet 140162, MedGen C0027672, MeSH D009386, MONDO:0015356.

Submission:

Ambry Genetics
Classification: Uncertain significance for Hereditary cancer-predisposing syndrome. Last evaluated: 2026-07-07. Review status: criteria provided, single submitter. Criteria: Ambry Variant Classification Scheme 2023. Collection method: clinical testing. Allele origin: germline.
Comment: The p.V358F variant (also known as c.1072G>T), located in coding exon 10 of the PRKAR1A gene, results from a G to T substitution at nucleotide position 1072. The valine at codon 358 is replaced by phenylalanine, an amino acid with highly similar properties. This amino acid position is conserved. In addition, this alteration is predicted to be deleterious by in silico analysis. Based on the available evidence, the clinical significance of this variant remains unclear.

NM_002734.5(PRKAR1A):c.1072G>T (p.Val358Phe)

Gene: PRKAR1A (protein kinase cAMP-dependent type I regulatory subunit alpha; plus strand). Cytogenetic location: 17q24.2.
Variant type: single nucleotide variant.
Coding change: c.1072G>T on transcript NM_002734.5 (MANE Select); coding-DNA position 1072, G replaced by T.
Protein change: p.Val358Phe; replaces valine 358 with phenylalanine.
Molecular consequence: missense variant. On other transcripts: intron variant (1).
Genome position (GRCh38, 1-based): chr17:68,530,375, G>T. VCF-style: chr17-68530375-G-T. GRCh37 (hg19) VCF-style: chr17-66526516-G-T.
Other names: c.1072G>T, p.Val358Phe (NM_001276289.2, NM_001278433.2, NM_001369389.1 and 3 more transcripts); c.973+374G>T (NM_001276290.1); short protein forms V358F.
Identifiers: ClinVar variation 5027326 (VCV005027326.1).